The following is an entry in ClinVar:

ClinVar aggregate classification (germline): Uncertain significance (1 of 4 stars; one submission).

Conditions:
Ataxia-telangiectasia syndrome (AT). Also called: LOUIS-BAR SYNDROME; Cerebello-oculocutaneous telangiectasia; Immunodeficiency with ataxia telangiectasia; Ataxia-telangiectasia, complementation group D; AT, COMPLEMENTATION GROUP C; ATAXIA-TELANGIECTASIA, COMPLEMENTATION GROUP A. Identifiers: Orphanet 100, MedGen C0004135, MONDO:0008840, OMIM 208900.

Submission:

Labcorp Genetics (formerly Invitae), Labcorp
Classification: Uncertain significance for Ataxia-telangiectasia syndrome. Last evaluated: 2025-02-25. Review status: criteria provided, single submitter. Criteria: Invitae Variant Classification Sherloc (09022015). Collection method: clinical testing. Allele origin: germline.
Comment: This sequence change replaces lysine, which is basic and polar, with glutamic acid, which is acidic and polar, at codon 2383 of the ATM protein (p.Lys2383Glu). This variant is not present in population databases (gnomAD no frequency). This variant has not been reported in the literature in individuals affected with ATM-related conditions. Invitae Evidence Modeling of protein sequence and biophysical properties (such as structural, functional, and spatial information, amino acid conservation, physicochemical variation, residue mobility, and thermodynamic stability) indicates that this missense variant is not expected to disrupt ATM protein function with a negative predictive value of 95%. In summary, the available evidence is currently insufficient to determine the role of this variant in disease. Therefore, it has been classified as a Variant of Uncertain Significance.

NM_000051.4(ATM):c.7147A>G (p.Lys2383Glu)

Genes: ATM (ATM serine/threonine kinase; plus strand), C11orf65 (chromosome 11 open reading frame 65; minus strand). Cytogenetic location: 11q22.3.
Variant type: single nucleotide variant.
Coding change: c.7147A>G on transcript NM_000051.4 (MANE Select); coding-DNA position 7147, A replaced by G.
Protein change: p.Lys2383Glu; replaces lysine 2383 with glutamic acid.
Molecular consequence: missense variant. On other transcripts: intron variant (2).
Genome position (GRCh38, 1-based): chr11:108,329,078, A>G. VCF-style: chr11-108329078-A-G. GRCh37 (hg19) VCF-style: chr11-108199805-A-G.
Other names: c.7147A>G, p.Lys2383Glu (NM_001351834.2); c.641-20007T>C (NM_001330368.2); c.*38+6142T>C (NM_001351110.2); short protein forms K2383E.
Identifiers: ClinVar variation 4747253 (VCV004747253.1).
Genomic context (GRCh38, chr11:108,329,078, plus strand): 5'-AAGGCAGTAGAAGTTGCTGGAAATTATGATGGAGAAAGTAGTGATGAGCTAAGAAATGGA[A>G]AAATGAAGGCATTTCTCTCATTAGCCCGGTTTTCAGATACTCAATACCAAAGAATTGAAA-3'
Protein context (NP_000042.3, residues 2373-2393): GESSDELRNG[Lys2383Glu]MKAFLSLARF